The following is an entry in ClinVar:

ClinVar aggregate classification (germline): Uncertain significance (1 of 4 stars; one submission).

Submission:

Labcorp Genetics (formerly Invitae), Labcorp
Classification: Uncertain significance. Last evaluated: 2022-11-19. Review status: criteria provided, single submitter. Criteria: Invitae Variant Classification Sherloc (09022015). Collection method: clinical testing. Allele origin: germline.
Comment: This variant is not present in population databases (gnomAD no frequency). In summary, the available evidence is currently insufficient to determine the role of this variant in disease. Therefore, it has been classified as a Variant of Uncertain Significance. Advanced modeling of protein sequence and biophysical properties (such as structural, functional, and spatial information, amino acid conservation, physicochemical variation, residue mobility, and thermodynamic stability) performed at Invitae indicates that this missense variant is expected to disrupt ALPL protein function. This missense change has been observed in individual(s) with features of hypophosphatasia (Invitae). This sequence change replaces histidine, which is basic and polar, with glutamine, which is neutral and polar, at codon 469 of the ALPL protein (p.His469Gln).

NM_000478.6(ALPL):c.1407C>G (p.His469Gln)

Gene: ALPL (alkaline phosphatase, biomineralization associated; plus strand). Cytogenetic location: 1p36.12.
Variant type: single nucleotide variant.
Coding change: c.1407C>G on transcript NM_000478.6 (MANE Select); coding-DNA position 1407, C replaced by G.
Protein change: p.His469Gln; replaces histidine 469 with glutamine.
Molecular consequence: missense variant.
Genome position (GRCh38, 1-based): chr1:21,577,480, C>G. VCF-style: chr1-21577480-C-G. GRCh37 (hg19) VCF-style: chr1-21903973-C-G.
Other names: c.1242C>G, p.His414Gln (NM_001127501.4); c.1176C>G, p.His392Gln (NM_001177520.3); c.1407C>G, p.His469Gln (NM_001369803.2, NM_001369804.2, NM_001369805.2); short protein forms H392Q, H414Q, H469Q.
Identifiers: ClinVar variation 1720218 (VCV001720218.5), dbSNP rs2545350920, ClinGen allele CA338882134.